The following is an entry in ClinVar:

NC_000009.11:g.(?_123151514)_(123330686_?)dup

Gene: CDK5RAP2 (CDK5 regulatory subunit associated protein 2; minus strand). Cytogenetic location: 9q33.2.
Variant type: Duplication.
Identifiers: ClinVar variation 3245364 (VCV003245364.1).

ClinVar aggregate classification (germline): Uncertain significance (1 of 4 stars; one submission).

Submission:

Labcorp Genetics (formerly Invitae), Labcorp
Classification: Uncertain significance. Last evaluated: 2023-03-20. Review status: criteria provided, single submitter. Criteria: Invitae Variant Classification Sherloc (09022015). Collection method: clinical testing. Allele origin: unknown.
Comment: In summary, the available evidence is currently insufficient to determine the role of this variant in disease. Therefore, it has been classified as a Variant of Uncertain Significance. Experimental studies and prediction algorithms are not available or were not evaluated, and the functional significance of this variant is currently unknown. This variant has not been reported in the literature in individuals affected with CDK5RAP2-related conditions. This variant results in a copy number gain of the genomic region encompassing exon(s) 3-38 of the CDK5RAP2 gene. This region includes the termination codon of the gene. This copy number gain extends beyond the assayed region for this gene and therefore may encompass additional genes. As the precise location of this event is unknown, it may be in tandem or it may be located elsewhere in the genome.